The following is an entry in ClinVar:

ClinVar aggregate classification (germline): Uncertain significance (1 of 4 stars; one submission).

Conditions:
Bethlem myopathy 1A. Also called: Bethlem Muscular Dystrophy; MYOPATHY, BENIGN CONGENITAL, WITH CONTRACTURES; Bethlem myopathy 1. Identifiers: Orphanet 610, MedGen CN029274, MONDO:0024530, OMIM 158810.

Submission:

Labcorp Genetics (formerly Invitae), Labcorp
Classification: Uncertain significance for Bethlem myopathy 1A. Last evaluated: 2017-03-14. Review status: criteria provided, single submitter. Criteria: Invitae Variant Classification Sherloc (09022015). Collection method: clinical testing. Allele origin: germline.
Comment: Algorithms developed to predict the effect of missense changes on protein structure and function (SIFT, PolyPhen-2, Align-GVGD) all suggest that this variant is likely to be disruptive, but these predictions have not been confirmed by published functional studies. This variant is not present in population databases (ExAC no frequency) and has not been reported in the literature in individuals with a COL6A3-related disease. This sequence change replaces aspartic acid with glutamic acid at codon 3029 of the COL6A3 protein (p.Asp3029Glu). The aspartic acid residue is highly conserved and there is a small physicochemical difference between aspartic acid and glutamic acid. In summary, this variant is a novel missense change with uncertain impact on protein function. It has been classified as a Variant of Uncertain Significance.

NM_004369.4(COL6A3):c.9087T>A (p.Asp3029Glu)

Gene: COL6A3 (collagen type VI alpha 3 chain; minus strand). Cytogenetic location: 2q37.3.
Variant type: single nucleotide variant.
Coding change: c.9087T>A on transcript NM_004369.4 (MANE Select); coding-DNA position 9087, T replaced by A.
Protein change: p.Asp3029Glu; replaces aspartic acid 3029 with glutamic acid.
Molecular consequence: missense variant.
Genome position (GRCh38, 1-based): chr2:237,334,768, A>T on the plus strand (T>A on the coding strand, the complement: COL6A3 is on the minus strand). VCF-style: chr2-237334768-A-T. GRCh37 (hg19) VCF-style: chr2-238243411-A-T.
Other names: c.7266T>A, p.Asp2422Glu (NM_057166.5); c.8469T>A, p.Asp2823Glu (NM_057167.4); short protein forms D3029E, D2823E, D2422E.
Identifiers: ClinVar variation 476567 (VCV000476567.9), dbSNP rs1553544136, ClinGen allele CA351188652.
Genomic context (GRCh38, chr2:237,334,768, plus strand): 5'-GAGCAGGCCTCCAATGACGCGGTCCGTGACCGTGAGGTTCTGCTTCAGAACCAGGGACTG[A>T]TCATGGGCTGAGGTGACGGTGAGGTCATAAAAATAAGGACCGGGGGGCTCAGCCCTCTCC-3'
Protein context (NP_004360.2, residues 3019-3039): FYDLTVTSAH[Asp3029Glu]QSLVLKQNLT